The following is an entry in ClinVar:

ClinVar aggregate classification (germline): Uncertain significance. Review status: reviewed by expert panel (3 of 4 stars). 4 submissions from 4 submitters: Uncertain significance (1). 3 of the submissions do not count toward it. Last evaluated 2024-02-15.

Conditions:
Athabaskan severe combined immunodeficiency (SCIDA). Also called: Severe combined immunodeficiency, athabascan-type. Identifiers: MedGen C1865370.
Severe combined immunodeficiency due to DCLRE1C deficiency (RS-SCID). Also called: SCID, AUTOSOMAL RECESSIVE, T CELL-NEGATIVE, B CELL-NEGATIVE, NK CELL-POSITIVE, WITH SENSITIVITY TO IONIZING RADIATION. Identifiers: Orphanet 275, MedGen C1865371, MONDO:0011225, OMIM 602450.
Inborn genetic diseases. Identifiers: MedGen C0950123, MeSH D030342.

Allele frequency attached by ClinVar (database versions not stated): TOPMed below 0.00001; gnomAD 0.00003.
gnomAD v4.1: 2 of 1,590,552 alleles (0.00013%); highest among the groups gnomAD compares: Non-Finnish European, 0.00017%; no homozygotes.

Submissions (4):

ClinGen Severe Combined Immunodeficiency Variant Curation Expert Panel, ClinGen
Classification: Uncertain significance for Severe combined immunodeficiency due to DCLRE1C deficiency. Last evaluated: 2024-02-15. Review status: reviewed by expert panel. Criteria: ClinGen SCID ACMG Specifications DCLRE1C V1.0.0. Collection method: curation. Allele origin: germline. Inheritance: Autosomal recessive inheritance.
Comment: The c.247A>C (NM_001033855.3) variant in DCLRE1C is a missense variant predicted to cause the substitution of Isoleucine by Leucine at amino acid 83 (p.Ile83Leu). The filtering allele frequency (the upper threshold of the 95% CI of 2/1092968) of the c.247A>C variant in DCLRE1C is 0.0000003 for European (non-Finnish) chromosomes by gnomAD v4, which is lower than the ClinGen SCID VCEP threshold (<0.00003266) for PM2_Supporting, and therefore meets this criterion (PM2_Supporting). No homozygotes have been observed in gnomAD. Another missense variant NM_001033855.3(DCLRE1C):c.247A>G (p.Ile83Val) in the same codon has been reported; However, this variant was classified as VUS by the ClinGen SCID VCEP (PM5 is not met). To our knowledge, this variant has not been reported in the literature in individuals affected with DCLRE1C-related conditions or in functional studies. In summary, this variant meets the criteria to be classified as a Variant of Uncertain Significance for autosomal recessive severe combined immunodeficiency due to DCLRE1C deficiency based on the ACMG/AMP criteria applied, as specified by the ClinGen SCID VCEP. Criteria applied: PM2_Supporting (VCEP specifications version 1.0).

Labcorp Genetics (formerly Invitae), Labcorp
Classification: Uncertain significance for Athabaskan severe combined immunodeficiency. Last evaluated: 2022-08-10. Review status: criteria provided, single submitter. Criteria: Invitae Variant Classification Sherloc (09022015). Collection method: clinical testing. Allele origin: germline. Not counted in ClinVar's aggregate classification.
Comment: This sequence change replaces isoleucine, which is neutral and non-polar, with leucine, which is neutral and non-polar, at codon 83 of the DCLRE1C protein (p.Ile83Leu). This variant is present in population databases (no rsID available, gnomAD 0.007%). This variant has not been reported in the literature in individuals affected with DCLRE1C-related conditions. ClinVar contains an entry for this variant (Variation ID: 655337). Algorithms developed to predict the effect of missense changes on protein structure and function (SIFT, PolyPhen-2, Align-GVGD) all suggest that this variant is likely to be tolerated. In summary, the available evidence is currently insufficient to determine the role of this variant in disease. Therefore, it has been classified as a Variant of Uncertain Significance.

Ambry Genetics
Classification: Uncertain significance for Inborn genetic diseases. Last evaluated: 2022-03-16. Review status: criteria provided, single submitter. Criteria: Ambry Variant Classification Scheme 2023. Collection method: clinical testing. Allele origin: germline. Not counted in ClinVar's aggregate classification.

Natera, Inc.
Classification: Uncertain significance for Athabascan severe combined immunodeficiency. Last evaluated: 2021-04-14. Review status: no assertion criteria provided. Collection method: clinical testing. Allele origin: germline. Not counted in ClinVar's aggregate classification.

NM_001033855.3(DCLRE1C):c.247A>C (p.Ile83Leu)

Gene: DCLRE1C (DNA cross-link repair 1C; minus strand). Cytogenetic location: 10p13.
Variant type: single nucleotide variant.
Coding change: c.247A>C on transcript NM_001033855.3 (MANE Select); coding-DNA position 247, A replaced by C.
Protein change: p.Ile83Leu; replaces isoleucine 83 with leucine.
Molecular consequence: missense variant. On other transcripts: 5 prime UTR variant (9), non-coding transcript variant (4).
Genome position (GRCh38, 1-based): chr10:14,939,869, T>G on the plus strand (A>C on the coding strand, the complement: DCLRE1C is on the minus strand). VCF-style: chr10-14939869-T-G. GRCh37 (hg19) VCF-style: chr10-14981868-T-G.
Other names: NM_001033855.3(DCLRE1C):c.247A>C; p.Ile83Leu; c.-114A>C (NM_001033857.3, NM_001033858.3, NM_001289077.2 and 2 more transcripts); c.-43A>C (NM_001289076.2, NM_001289078.2, NM_001350966.2 and 1 more transcripts); c.247A>C, p.Ile83Leu (NM_001350965.2); c.247A>C (NM_001033855.1); short protein forms I83L.
Identifiers: ClinVar variation 655337 (VCV000655337.8), dbSNP rs746658739, ClinGen allele CA376062485.